The following is an entry in ClinVar:

NM_001447.3(FAT2):c.11852G>A (p.Cys3951Tyr)

Genes: FAT2 (FAT atypical cadherin 2; minus strand), SLC36A1 (solute carrier family 36 member 1; plus strand). Cytogenetic location: 5q33.1.
Variant type: single nucleotide variant.
Coding change: c.11852G>A on transcript NM_001447.3 (MANE Select); coding-DNA position 11852, G replaced by A.
Protein change: p.Cys3951Tyr; replaces cysteine 3951 with tyrosine.
Molecular consequence: missense variant.
Genome position (GRCh38, 1-based): chr5:151,512,218, C>T on the plus strand (G>A on the coding strand, the complement: FAT2 is on the minus strand). VCF-style: chr5-151512218-C-T. GRCh37 (hg19) VCF-style: chr5-150891779-C-T.
Other names: short protein forms C3951Y.
Identifiers: ClinVar variation 2775631 (VCV002775631.3), dbSNP rs1208832187, ClinGen allele CA361821522.
Genomic context (GRCh38, chr5:151,512,218, plus strand): 5'-CCCTCACCTGCCCCATGGGTCCATGAGCACTTCCCACCATTGAGGCATGTGTTCTGGCTG[C>T]AGTAGTCACTGTGGAGGCAGCACTGGGTGAGGGCTTGTGTCTCCAGCAAGCCTGCCACCG-3'
Protein context (NP_001438.1, residues 3941-3961): LTQCCLHSDY[Cys3951Tyr]SQNTCLNGGK

ClinVar aggregate classification (germline): Uncertain significance (1 of 4 stars; one submission).

Allele frequency attached by ClinVar (database versions not stated): gnomAD exomes below 0.00001; gnomAD 0.00001; TOPMed 0.00001.
gnomAD v4.1: 9 of 1,614,084 alleles (0.00056%); highest among the groups gnomAD compares: Non-Finnish European, 0.00068%; no homozygotes.

Submission:

Labcorp Genetics (formerly Invitae), Labcorp
Classification: Uncertain significance. Last evaluated: 2023-08-22. Review status: criteria provided, single submitter. Criteria: Invitae Variant Classification Sherloc (09022015). Collection method: clinical testing. Allele origin: germline.
Comment: This variant has not been reported in the literature in individuals affected with FAT2-related conditions. This sequence change replaces cysteine, which is neutral and slightly polar, with tyrosine, which is neutral and polar, at codon 3951 of the FAT2 protein (p.Cys3951Tyr). This variant is present in population databases (no rsID available, gnomAD 0.002%). An algorithm developed to predict the effect of missense changes on protein structure and function (PolyPhen-2) suggests that this variant is likely to be disruptive. In summary, the available evidence is currently insufficient to determine the role of this variant in disease. Therefore, it has been classified as a Variant of Uncertain Significance.